The following is an entry in ClinVar:

NM_014629.4(ARHGEF10):c.2113A>G (p.Ser705Gly)

Gene: ARHGEF10 (Rho guanine nucleotide exchange factor 10; plus strand). Cytogenetic location: 8p23.3.
Variant type: single nucleotide variant.
Coding change: c.2113A>G on transcript NM_014629.4 (MANE Select); coding-DNA position 2113, A replaced by G.
Protein change: p.Ser705Gly; replaces serine 705 with glycine.
Molecular consequence: missense variant.
Genome position (GRCh38, 1-based): chr8:1,909,440, A>G. VCF-style: chr8-1909440-A-G. GRCh37 (hg19) VCF-style: chr8-1857606-A-G.
Other names: c.1999A>G, p.Ser667Gly (NM_001308152.2, NM_001438094.1); c.2113A>G, p.Ser705Gly (NM_001308153.3); c.2116A>G, p.Ser706Gly (NM_001438091.1); c.1996A>G, p.Ser666Gly (NM_001438092.1, NM_001438093.1); short protein forms S666G, S667G, S705G, S706G, S729G.
Identifiers: ClinVar variation 4689476 (VCV004689476.1).

ClinVar aggregate classification (germline): Uncertain significance (1 of 4 stars; one submission).

gnomAD v4.1: 1 of 1,614,098 alleles (0.000062%); highest among the groups gnomAD compares: Non-Finnish European, 0.000085%; no homozygotes.

Submission:

Women's Health and Genetics/Laboratory Corporation of America, LabCorp
Classification: Uncertain significance. Last evaluated: 2026-01-12. Review status: criteria provided, single submitter. Criteria: LabCorp Variant Classification Summary - May 2015. Collection method: clinical testing. Allele origin: germline.
Comment: Variant summary: ARHGEF10 c.2113A>G (p.Ser705Gly) results in a non-conservative amino acid change in the encoded protein sequence. Algorithms developed to predict the effect of missense changes on protein structure and function are either unavailable or do not agree on the potential impact of this missense change. The variant allele was found at a frequency of 4e-06 in 251398 control chromosomes. The available data on variant occurrences in the general population are insufficient to allow any conclusion about variant significance. To our knowledge, no occurrence of c.2113A>G in individuals affected with ARHGEF10-related conditions and no experimental evidence demonstrating its impact on protein function have been reported. No submitters have cited clinical-significance assessments for this variant to ClinVar. Based on the evidence outlined above, the variant was classified as uncertain significance.